The following is an entry in ClinVar:

ClinVar aggregate classification (germline): Uncertain significance (1 of 4 stars; one submission).

Conditions:
Early-infantile DEE. Also called: Early infantile epileptic encephalopathy with suppression bursts; Early infantile epileptic encephalopathy; Ohtahara syndrome. Identifiers: Orphanet 1934, MedGen C0393706, MONDO:0800491.

Allele frequency attached by ClinVar (database versions not stated): TOPMed below 0.00001.

Submission:

Labcorp Genetics (formerly Invitae), Labcorp
Classification: Uncertain significance for Early-infantile DEE. Last evaluated: 2024-02-24. Review status: criteria provided, single submitter. Criteria: Invitae Variant Classification Sherloc (09022015). Collection method: clinical testing. Allele origin: germline.
Comment: This sequence change replaces proline, which is neutral and non-polar, with serine, which is neutral and polar, at codon 204 of the KCNH5 protein (p.Pro204Ser). This variant is not present in population databases (gnomAD no frequency). This variant has not been reported in the literature in individuals affected with KCNH5-related conditions. ClinVar contains an entry for this variant (Variation ID: 1354653). Advanced modeling of protein sequence and biophysical properties (such as structural, functional, and spatial information, amino acid conservation, physicochemical variation, residue mobility, and thermodynamic stability) performed at Invitae indicates that this missense variant is not expected to disrupt KCNH5 protein function with a negative predictive value of 80%. In summary, the available evidence is currently insufficient to determine the role of this variant in disease. Therefore, it has been classified as a Variant of Uncertain Significance.

NM_139318.5(KCNH5):c.610C>T (p.Pro204Ser)

Gene: KCNH5 (potassium voltage-gated channel subfamily H member 5; minus strand). Cytogenetic location: 14q23.2.
Variant type: single nucleotide variant.
Coding change: c.610C>T on transcript NM_139318.5 (MANE Select); coding-DNA position 610, C replaced by T.
Protein change: p.Pro204Ser; replaces proline 204 with serine.
Molecular consequence: missense variant.
Genome position (GRCh38, 1-based): chr14:62,981,204, G>A on the plus strand (C>T on the coding strand, the complement: KCNH5 is on the minus strand). VCF-style: chr14-62981204-G-A. GRCh37 (hg19) VCF-style: chr14-63447922-G-A.
Other names: c.610C>T, p.Pro204Ser (NM_172375.3); short protein forms P204S.
Identifiers: ClinVar variation 1354653 (VCV001354653.9), dbSNP rs1165675846, ClinGen allele CA390104536.